The following is an entry in ClinVar:

ClinVar aggregate classification (germline): Likely benign. Review status: criteria provided, multiple submitters, no conflicts (2 of 4 stars). 2 submissions from 2 submitters: Likely benign (2). Last evaluated 2025-03-05.

Conditions:
POLE-related disorder. Also called: POLE-related condition; POLE-related disorders.

Submissions (2):

PreventionGenetics, part of Exact Sciences
Classification: Likely benign for POLE-related condition. Last evaluated: 2025-03-05. Review status: criteria provided, single submitter. Criteria: ACMG Guidelines, 2015. Collection method: clinical testing. Allele origin: germline.
Comment: This variant is classified as likely benign based on ACMG/AMP sequence variant interpretation guidelines (Richards et al. 2015 PMID: 25741868, with internal and published modifications).

Labcorp Genetics (formerly Invitae), Labcorp
Classification: Likely benign. Last evaluated: 2024-09-19. Review status: criteria provided, single submitter. Criteria: Invitae Variant Classification Sherloc (09022015). Collection method: clinical testing. Allele origin: germline.

NM_006231.4(POLE):c.549C>T (p.Ala183=)

Gene: POLE (DNA polymerase epsilon, catalytic subunit; minus strand). Cytogenetic location: 12q24.33.
Variant type: single nucleotide variant.
Coding change: c.549C>T on transcript NM_006231.4 (MANE Select); coding-DNA position 549, C replaced by T.
Protein change: p.Ala183=; no amino-acid change (alanine 183 retained).
Molecular consequence: synonymous variant.
Genome position (GRCh38, 1-based): chr12:132,679,526, G>A on the plus strand (C>T on the coding strand, the complement: POLE is on the minus strand). VCF-style: chr12-132679526-G-A. GRCh37 (hg19) VCF-style: chr12-133256112-G-A.
Identifiers: ClinVar variation 3622712 (VCV003622712.3).